The following is an entry in ClinVar:

NM_000124.4(ERCC6):c.1996C>T (p.Arg666Cys)

Gene: ERCC6 (ERCC excision repair 6, chromatin remodeling factor; minus strand). Cytogenetic location: 10q11.23.
Variant type: single nucleotide variant.
Coding change: c.1996C>T on transcript NM_000124.4 (MANE Select); coding-DNA position 1996, C replaced by T.
Protein change: p.Arg666Cys; replaces arginine 666 with cysteine.
Molecular consequence: missense variant.
Genome position (GRCh38, 1-based): chr10:49,482,860, G>A on the plus strand (C>T on the coding strand, the complement: ERCC6 is on the minus strand). VCF-style: chr10-49482860-G-A. GRCh37 (hg19) VCF-style: chr10-50690906-G-A.
Other names: c.1996C>T, p.Arg666Cys (NM_001346440.2); short protein forms R666C.
Identifiers: ClinVar variation 190156 (VCV000190156.65), dbSNP rs61760163, ClinGen allele CA199585.
Genomic context (GRCh38, chr10:49,482,860, plus strand): 5'-ACAGCTCTCGGAGGTTATTTTGCATCGGTGAGCCAGACAGAATGATCCGATGAGGGGTGC[G>A]AAACTATTTGAGGAAAGGAAGCACCTTTTTATTAAATTTACCTTTTAGCAATCGCCATTC-3'
Protein context (NP_000115.1, residues 656-676): AAVTLACKQF[Arg666Cys]TPHRIILSGS

ClinVar aggregate classification (germline): Conflicting classifications of pathogenicity. Review status: criteria provided, conflicting classifications (1 of 4 stars). 17 submissions from 16 submitters: Uncertain significance (6); Benign (3); Likely benign (4). 4 of the submissions do not count toward it. Last evaluated 2026-08-01.

Conditions:
Lung carcinoma. Identifiers: MedGen C0684249, MONDO:0005138.
Cockayne syndrome type 2 (CSB). Also called: Cockayne Syndrome, Type II; COCKAYNE SYNDROME B. Identifiers: Orphanet 191, Orphanet 90322, MedGen C0751038, MONDO:0019570, OMIM 133540.
DE SANCTIS-CACCHIONE SYNDROME. Identifiers: MedGen C0265201, MONDO:0010217, OMIM 278800.
Premature ovarian failure 11 (POF11). Identifiers: MedGen C4310783, MONDO:0014843, OMIM 616946.
Age related macular degeneration 5. Identifiers: MedGen C3151063, MONDO:0013409, OMIM 613761.
UV-sensitive syndrome 1 (UVSS1). Identifiers: Orphanet 178338, MedGen C3551173, MONDO:0010909, OMIM 600630.
Cerebrooculofacioskeletal syndrome 1 (COFS1). Also called: Cerebro-oculo-facio-skeletal syndrome 1. Identifiers: MedGen C0220722, MONDO:0008955, OMIM 214150.
Inborn genetic diseases. Identifiers: MedGen C0950123, MeSH D030342.
Cone-rod dystrophy. Also called: Cone-rod degeneration; Cone/cone-rod dystrophy. Identifiers: Orphanet 1872, MedGen C4085590, MONDO:0015993, HP:0000548.
Intellectual disability. Also called: intellectual disabilities; Intellectual developmental disorder; Intellectual functioning disability. Identifiers: MedGen C3714756, MeSH D008607, MONDO:0001071, HP:0001249.

Allele frequency attached by ClinVar (database versions not stated): 1000 Genomes Project 30x 0.00094; 1000 Genomes Project 0.00100; ESP Exome Variant Server 0.00146; ExAC 0.00163; gnomAD exomes 0.00177 and 0.00222; gnomAD 0.00178 and 0.00179; TOPMed 0.00188.
gnomAD v4.1: 3,545 of 1,613,958 alleles (0.22%); highest among the groups gnomAD compares: Admixed American, 0.28%; 4 homozygotes.

Submissions (17):

CeGaT Center for Human Genetics Tuebingen
Classification: Benign. Last evaluated: 2026-08-01. Review status: criteria provided, single submitter. Criteria: CeGaT Center For Human Genetics Tuebingen Variant Classification Criteria Version 2. Collection method: clinical testing. Allele origin: germline. Affected: yes. Observed: 14 variant alleles.
Comment: ERCC6: PP3, BS1, BS2

Labcorp Genetics (formerly Invitae), Labcorp
Classification: Likely benign. Last evaluated: 2026-02-02. Review status: criteria provided, single submitter. Criteria: Invitae Variant Classification Sherloc (09022015). Collection method: clinical testing. Allele origin: germline.

Laboratory of Genetics, Children's Clinical University Hospital Latvia
Classification: Likely benign. Last evaluated: 2025-02-16. Review status: criteria provided, single submitter. Criteria: ACMG Guidelines, 2015. Collection method: clinical testing. Allele origin: germline. Affected: yes.

Blueprint Genetics
Classification: Likely benign. Last evaluated: 2024-11-27. Review status: criteria provided, single submitter. Criteria: ACMG Guidelines, 2015. Collection method: clinical testing. Allele origin: germline.

GeneDx
Classification: Uncertain significance. Last evaluated: 2024-06-11. Review status: criteria provided, single submitter. Criteria: GeneDx Variant Classification Process June 2021. Collection method: clinical testing. Allele origin: germline. Affected: yes.
Comment: Observed in individuals with colorectal or other cancer (PMID: 28051113, 28050010, 29602769); Reported previously as a likely pathogenic variant in patients with primary ovarian insufficiency (PMID: 36099812); In silico analysis supports that this missense variant has a deleterious effect on protein structure/function; This variant is associated with the following publications: (PMID: 29784668, 28051113, 29602769, 28050010, 30653986, 34513715, 36099812)

Mayo Clinic Laboratories, Mayo Clinic
Classification: Uncertain significance. Last evaluated: 2022-03-16. Review status: criteria provided, single submitter. Criteria: ACMG Guidelines, 2015. Collection method: clinical testing. Allele origin: germline. Observed: 3 variant alleles.

Ambry Genetics
Classification: Likely benign for Inborn genetic diseases. Last evaluated: 2022-01-12. Review status: criteria provided, single submitter. Criteria: Ambry Variant Classification Scheme 2023. Collection method: clinical testing. Allele origin: germline.

Cambridge Genomics Laboratory, East Genomic Laboratory Hub, NHS Genomic Medicine Service
Classification: Benign for Intellectual disability. Last evaluated: 2019-11-26. Review status: criteria provided, single submitter. Criteria: ACGS Best Practice Guidelines for Variant Classification in Rare Disease 2020. Collection method: clinical testing. Allele origin: germline. Affected: yes. Observed: 1 variant allele.

Cambridge Genomics Laboratory, East Genomic Laboratory Hub, NHS Genomic Medicine Service
Classification: Benign for Cone-rod dystrophy. Last evaluated: 2019-10-18. Review status: criteria provided, single submitter. Criteria: ACGS Best Practice Guidelines for Variant Classification in Rare Disease 2020. Collection method: clinical testing. Allele origin: germline. Affected: yes. Observed: 1 variant allele.

Eurofins Ntd Llc (ga)
Classification: Uncertain significance. Last evaluated: 2018-04-17. Review status: criteria provided, single submitter. Criteria: EGL ClinVar v180209 classification definitions. Collection method: clinical testing. Allele origin: germline. Observed: 5 variant alleles, 5 heterozygotes.

Fulgent Genetics
Classification: Uncertain significance for Cockayne syndrome type 2; Lung cancer; Cerebrooculofacioskeletal syndrome 1; DE SANCTIS-CACCHIONE SYNDROME; UV-sensitive syndrome 1; Age related macular degeneration 5; Premature ovarian failure 11. Last evaluated: 2017-05-23. Review status: criteria provided, single submitter. Criteria: ACMG Guidelines, 2015. Collection method: clinical testing. Allele origin: unknown.

Genetic Services Laboratory, University of Chicago
Classification: Uncertain significance. Last evaluated: 2014-06-27. Review status: criteria provided, single submitter. Criteria: ACMG Guidelines, 2015. Collection method: clinical testing. Allele origin: germline.

Claritas Genomics
Classification: Uncertain significance. Last evaluated: 2014-01-06. Review status: criteria provided, single submitter. Criteria: ACMG Guidelines, 2007. Collection method: clinical testing. Allele origin: germline. Inheritance: Autosomal recessive inheritance.

Clinical Genetics DNA and cytogenetics Diagnostics Lab, Erasmus MC, Erasmus Medical Center
Classification: Uncertain significance. Review status: no assertion criteria provided. Collection method: clinical testing. Allele origin: germline. Affected: yes. Study: VKGL Data-share Consensus. Not counted in ClinVar's aggregate classification.

Department of Pathology and Laboratory Medicine, Sinai Health System
Classification: Uncertain significance. Review status: no assertion criteria provided. Collection method: clinical testing. Allele origin: unknown. Affected: yes. Study: The Canadian Open Genetics Repository (COGR). Not counted in ClinVar's aggregate classification.
Comment: The ERCC6 p.Arg666Cys variant was identified in the literature in 1 of 28 proband chromosomes (frequency: 0.036) from individuals with a positive history of cancer (proband had colon cancer) (Castellanos_2017_PMID:28051113). The variant was identified in dbSNP (ID: rs61760163), LOVD 3.0 and ClinVar (classified as likely benign by Invitae and Illumina, and as uncertain significance by Claritas Genomics, Genetic Services Laboratory University of Chicago, Fulgent Genetics, EGL Genetic Diagnostics and GeneDx). The variant was identified in control databases in 498 of 282720 chromosomes (1 homozygous) at a frequency of 0.001761 increasing the likelihood this could be a low frequency benign variant (Genome Aggregation Database March 6, 2019, v2.1.1). The variant was observed in the following populations: Latino in 103 of 35438 chromosomes (freq: 0.002906), Other in 20 of 7220 chromosomes (freq: 0.00277), European (non-Finnish) in 318 of 129064 chromosomes (freq: 0.002464), Ashkenazi Jewish in 22 of 10368 chromosomes (freq: 0.002122), African in 16 of 24964 chromosomes (freq: 0.000641), European (Finnish) in 16 of 25116 chromosomes (freq: 0.000637) and South Asian in 3 of 30614 chromosomes (freq: 0.000098), but was not observed in the East Asian population. The p.Arg666 residue is conserved in mammals but not in more distantly related organisms, and four out of five computational analyses (PolyPhen-2, SIFT, AlignGVGD, BLOSUM, MutationTaster) suggest that the variant may impact the protein; however, this information is not predictive enough to assume pathogenicity. The variant occurs outside of the splicing consensus sequence and in silico or computational prediction software programs (SpliceSiteFinder, MaxEntScan, NNSPLICE, GeneSplicer) do not predict a difference in splicing. In summary, based on the above information the clinical significance of this variant cannot be determined with certainty at this time. This variant is classified as a variant of uncertain significance.

Diagnostic Laboratory, Department of Genetics, University Medical Center Groningen
Classification: Uncertain significance. Review status: no assertion criteria provided. Collection method: clinical testing. Allele origin: germline. Affected: yes. Study: VKGL Data-share Consensus. Not counted in ClinVar's aggregate classification.

Laboratory of Diagnostic Genome Analysis, Leiden University Medical Center (LUMC)
Classification: Uncertain significance. Review status: no assertion criteria provided. Collection method: clinical testing. Allele origin: germline. Affected: yes. Study: VKGL Data-share Consensus. Not counted in ClinVar's aggregate classification.